The following is an entry in ClinVar:

NM_000350.3(ABCA4):c.4437G>A (p.Trp1479Ter)

Gene: ABCA4 (ATP binding cassette subfamily A member 4; minus strand). Cytogenetic location: 1p22.1.
Variant type: single nucleotide variant.
Coding change: c.4437G>A on transcript NM_000350.3 (MANE Select); coding-DNA position 4437, G replaced by A.
Protein change: p.Trp1479Ter; replaces tryptophan 1479 with a stop codon.
Molecular consequence: nonsense.
Genome position (GRCh38, 1-based): chr1:94,029,547, C>T on the plus strand (G>A on the coding strand, the complement: ABCA4 is on the minus strand). VCF-style: chr1-94029547-C-T. GRCh37 (hg19) VCF-style: chr1-94495103-C-T.
Other names: c.4215G>A, p.Trp1405Ter (NM_001425324.1); short protein forms W1479*, W1405*.
Identifiers: ClinVar variation 936266 (VCV000936266.9), dbSNP rs1660139846, ClinGen allele CA341285026.

ClinVar aggregate classification (germline): Pathogenic. Review status: criteria provided, multiple submitters, no conflicts (2 of 4 stars). 3 submissions from 3 submitters: Pathogenic (3). Last evaluated 2022-09-05.

Conditions:
ABCA4-related disorder. Also called: ABCA4-related disorders; ABCA4-related condition. Identifiers: MedGen CN239167.
Retinal dystrophy. Also called: Inherited retinal dystrophy. Identifiers: Orphanet 71862, MedGen C0854723, MeSH D058499, MONDO:0019118, HP:0000556.

Allele frequency attached by ClinVar (database versions not stated): gnomAD exomes below 0.00001.
gnomAD v4.1: 1 of 1,613,356 alleles (0.000062%); highest among the groups gnomAD compares: East Asian, 0.0022%; no homozygotes.

Submissions (3):

Blueprint Genetics
Classification: Pathogenic for ABCA4-related disorders. Last evaluated: 2022-09-05. Review status: criteria provided, single submitter. Criteria: ACMG Guidelines, 2015. Collection method: clinical testing. Allele origin: germline. Affected: yes. Observed: 1 variant allele.

Institute of Human Genetics, Univ. Regensburg, Univ. Regensburg
Classification: Pathogenic for Retinal dystrophy. Last evaluated: 2020-01-01. Review status: criteria provided, single submitter. Criteria: ACMG Guidelines, 2015. Collection method: clinical testing. Allele origin: germline. Affected: yes.

Labcorp Genetics (formerly Invitae), Labcorp
Classification: Pathogenic. Last evaluated: 2019-10-04. Review status: criteria provided, single submitter. Criteria: Invitae Variant Classification Sherloc (09022015). Collection method: clinical testing. Allele origin: germline.
Comment: This sequence change creates a premature translational stop signal (p.Trp1479*) in the ABCA4 gene. It is expected to result in an absent or disrupted protein product. This variant is not present in population databases (ExAC no frequency). This variant has not been reported in the literature in individuals with ABCA4-related conditions. Loss-of-function variants in ABCA4 are known to be pathogenic (PMID: 10958761, 24938718, 25312043, 26780318). For these reasons, this variant has been classified as Pathogenic.

Literature cited by the submitters: PubMed 33301772 (cited by Institute of Human Genetics, Univ. Regensburg, Univ. Regensburg); PubMed 36460718 (cited by Institute of Human Genetics, Univ. Regensburg, Univ. Regensburg); PubMed 36819107 (cited by Institute of Human Genetics, Univ. Regensburg, Univ. Regensburg); PubMed 10958761 (cited by Labcorp Genetics (formerly Invitae), Labcorp); PubMed 24938718 (cited by Labcorp Genetics (formerly Invitae), Labcorp); PubMed 25312043 (cited by Labcorp Genetics (formerly Invitae), Labcorp); PubMed 26780318 (cited by Labcorp Genetics (formerly Invitae), Labcorp).